The following is an entry in ClinVar:

ClinVar aggregate classification (germline): Conflicting classifications of pathogenicity. Review status: criteria provided, conflicting classifications (1 of 4 stars). 6 submissions from 6 submitters: Uncertain significance (3); Benign (1); Likely benign (1). 1 of the submissions does not count toward it. Last evaluated 2026-08-06.

Conditions:
Hereditary pancreatitis (PCTT). Also called: Hereditary chronic pancreatitis; PRSS1-Related Hereditary Pancreatitis. Identifiers: Orphanet 676, MedGen C0238339, MONDO:0008185, OMIM 167800.
Cystic fibrosis (CF). Also called: MUCOVISCIDOSIS. Identifiers: Orphanet 586, MedGen C0010674, MONDO:0009061, OMIM 219700. Disease mechanism: loss of function.

Allele frequency attached by ClinVar (database versions not stated): gnomAD 0.00001; gnomAD exomes 0.00001 and 0.00002; TOPMed 0.00001; ExAC 0.00002.
gnomAD v4.1: 22 of 1,613,610 alleles (0.0014%); highest among the groups gnomAD compares: Admixed American, 0.012%; no homozygotes.

Submissions (6):

OLLIN Analises Genomicas, OLLIN
Classification: Uncertain significance for Hereditary pancreatitis. Last evaluated: 2026-08-06. Review status: criteria provided, single submitter. Criteria: ACMG Guidelines 2015 PMID 25741868. Collection method: clinical testing. Allele origin: germline. Inheritance: Autosomal recessive inheritance.
Comment: This missense variant, located in exon 23 (of 27), has been reported in ClinVar (accession VCV000053809.10) and in gnomAD with an allele frequency of 0.0014%. However, to our knowledge, it has not been reported in the scientific literature. In silico analysis is inconclusive regarding the impact of this variant. This variant is located in a region considered to be a mutational hotspot. According to the currently available evidence, this variant has been classified as uncertain significance (PM1).

Labcorp Genetics (formerly Invitae), Labcorp
Classification: Uncertain significance for Cystic fibrosis. Last evaluated: 2026-01-17. Review status: criteria provided, single submitter. Criteria: Invitae Variant Classification Sherloc (09022015). Collection method: clinical testing. Allele origin: germline.
Comment: This sequence change replaces phenylalanine, which is neutral and non-polar, with leucine, which is neutral and non-polar, at codon 1257 of the CFTR protein (p.Phe1257Leu). This variant is present in population databases (rs397508607, gnomAD 0.01%). This missense change has been observed in individual(s) with cystic fibrosis (PMID: 11379874). ClinVar contains an entry for this variant (Variation ID: 53809). Invitae Evidence Modeling of protein sequence and biophysical properties (such as structural, functional, and spatial information, amino acid conservation, physicochemical variation, residue mobility, and thermodynamic stability) indicates that this missense variant is not expected to disrupt CFTR protein function with a negative predictive value of 80%. In summary, the available evidence is currently insufficient to determine the role of this variant in disease. Therefore, it has been classified as a Variant of Uncertain Significance.

Institute of Human Genetics, University of Leipzig Medical Center
Classification: Uncertain significance for Cystic fibrosis. Last evaluated: 2022-09-05. Review status: criteria provided, single submitter. Criteria: ACMG Guidelines, 2015. Collection method: curation. Allele origin: unknown. Affected: yes. Observed: 1 variant allele.
Comment: The variant was classified in the context of a project re-classifying variants in the German Cystic Fibrosis Registry (Muko.e.V.). Criteria applied: PM2_SUP, PP3

Mendelics
Classification: Benign for Cystic fibrosis. Last evaluated: 2019-05-28. Review status: criteria provided, single submitter. Criteria: Mendelics Assertion Criteria 2017. Collection method: clinical testing. Allele origin: unknown.

Ambry Genetics
Classification: Likely benign for Cystic fibrosis. Last evaluated: 2018-11-14. Review status: criteria provided, single submitter. Criteria: Ambry Variant Classification Scheme 2023. Collection method: clinical testing. Allele origin: germline.

Counsyl
Classification: Likely benign for Cystic fibrosis. Last evaluated: 2014-03-18. Review status: no assertion criteria provided. Collection method: literature only. Allele origin: unknown. Inheritance: Autosomal recessive inheritance. Not counted in ClinVar's aggregate classification.

Literature cited by the submitters: PubMed 11379874 (cited by Labcorp Genetics (formerly Invitae), Labcorp and Counsyl).

NM_000492.4(CFTR):c.3771T>G (p.Phe1257Leu)

Genes: CFTR (CF transmembrane conductance regulator; plus strand), CFTR-AS2 (CFTR antisense RNA 2; minus strand). Cytogenetic location: 7q31.2.
Variant type: single nucleotide variant.
Coding change: c.3771T>G on transcript NM_000492.4 (MANE Select); coding-DNA position 3771, T replaced by G.
Protein change: p.Phe1257Leu; replaces phenylalanine 1257 with leucine.
Molecular consequence: missense variant.
Genome position (GRCh38, 1-based): chr7:117,642,491, T>G. VCF-style: chr7-117642491-T-G. GRCh37 (hg19) VCF-style: chr7-117282545-T-G.
Other names: short protein forms F1257L.
Identifiers: ClinVar variation 53809 (VCV000053809.11), dbSNP rs397508607, ClinGen allele CA327286.